The following is an entry in ClinVar:

ClinVar aggregate classification (germline): Benign. Review status: criteria provided, multiple submitters, no conflicts (2 of 4 stars). 2 submissions from 2 submitters: Benign (2). Last evaluated 2026-01-22.

gnomAD v4.1: 320,917 of 1,612,262 alleles (20%); highest among the groups gnomAD compares: African/African-American, 61%; 39,887 homozygotes.

Submissions (2):

Women's Health and Genetics/Laboratory Corporation of America, LabCorp
Classification: Benign. Last evaluated: 2026-01-22. Review status: criteria provided, single submitter. Criteria: LabCorp Variant Classification Summary - May 2015. Collection method: clinical testing. Allele origin: germline.
Comment: Variant summary: PSMB10 c.319T>C results in a synonymous change. Consensus agreement among computation tools predict no significant impact on normal splicing. However, these predictions have yet to be confirmed by functional studies. The variant allele was found at a frequency of 0.22 in 249304 control chromosomes in the gnomAD database, including 7622 homozygotes. The observed variant frequency exceeds the estimated maximal expected allele frequency for disease-causing variants in PSMB10. To our knowledge, no occurrence of c.319T>C in individuals affected with PSMB10-related conditions and no experimental evidence demonstrating its impact on protein function have been reported. ClinVar contains an entry for this variant (Variation ID: 4684106). Based on the evidence outlined above, the variant was classified as benign.

Mayo Clinic Laboratories, Mayo Clinic
Classification: Benign. Last evaluated: 2022-09-06. Review status: criteria provided, single submitter. Criteria: ACMG Guidelines, 2015. Collection method: clinical testing. Allele origin: germline. Observed: 156 variant alleles.

NM_002801.4(PSMB10):c.319T>C (p.Leu107=)

Gene: PSMB10 (proteasome 20S subunit beta 10; minus strand). Cytogenetic location: 16q22.1.
Variant type: single nucleotide variant.
Coding change: c.319T>C on transcript NM_002801.4 (MANE Select); coding-DNA position 319, T replaced by C.
Protein change: p.Leu107=; no amino-acid change (leucine 107 retained).
Molecular consequence: synonymous variant.
Genome position (GRCh38, 1-based): chr16:67,936,027, A>G on the plus strand (T>C on the coding strand, the complement: PSMB10 is on the minus strand). VCF-style: chr16-67936027-A-G. GRCh37 (hg19) VCF-style: chr16-67969930-A-G.
Other names: p.Leu107=.
Identifiers: ClinVar variation 4684106 (VCV004684106.2).